The following is an entry in ClinVar:

ClinVar aggregate classification (germline): Benign. Review status: criteria provided, multiple submitters, no conflicts (2 of 4 stars). 3 submissions from 3 submitters: Benign (3). Last evaluated 2018-10-31.

Conditions:
Hypophosphatemic rickets, autosomal recessive, 1 (ARHR1). Also called: HYPOPHOSPHATEMIA, AUTOSOMAL RECESSIVE. Identifiers: Orphanet 289176, MedGen C4551495, MONDO:0009430, OMIM 241520. Disease mechanism: loss of function.

Allele frequency attached by ClinVar (database versions not stated): gnomAD exomes 0.03910; TOPMed 0.04039; gnomAD 0.04084; 1000 Genomes Project 30x 0.05262; 1000 Genomes Project 0.05391.
gnomAD v4.1: 19,436 of 481,014 alleles (4%); highest among the groups gnomAD compares: Middle Eastern, 11%; 498 homozygotes.

Submissions (3):

GeneDx
Classification: Benign. Last evaluated: 2018-10-31. Review status: criteria provided, single submitter. Criteria: GeneDx Variant Classification Process June 2021. Collection method: clinical testing. Allele origin: germline. Affected: yes.

Illumina Laboratory Services, Illumina
Classification: Benign for Hypophosphatemic rickets, autosomal recessive, 1. Last evaluated: 2018-01-12. Review status: criteria provided, single submitter. Criteria: ICSL Variant Classification Criteria 13 December 2019. Collection method: clinical testing. Allele origin: germline.
Comment: This variant was observed in the ICSL laboratory as part of a predisposition screen in an ostensibly healthy population. It had not been previously curated by ICSL or reported in the Human Gene Mutation Database (HGMD: prior to June 1st, 2018), and was therefore a candidate for classification through an automated scoring system. Utilizing variant allele frequency, disease prevalence and penetrance estimates, and inheritance mode, an automated score was calculated to assess if this variant is too frequent to cause the disease. Based on the score and internal cut-off values, a variant classified as benign is not then subjected to further curation. The score for this variant resulted in a classification of benign for this disease.

Breakthrough Genomics
Classification: Benign. Review status: criteria provided, single submitter. Criteria: ACMG Guidelines, 2015. Collection method: not provided. Allele origin: germline. Inheritance: Autosomal recessive inheritance. Affected: yes.

NM_004407.4(DMP1):c.*280C>T

Genes: DMP1 (dentin matrix acidic phosphoprotein 1; plus strand), DMP1-AS1 (DMP1 and DSPP antisense RNA 1; minus strand). Cytogenetic location: 4q22.1.
Variant type: single nucleotide variant.
Coding change: c.*280C>T on transcript NM_004407.4 (MANE Select); 280 bases downstream of the stop codon, C replaced by T.
Molecular consequence: 3 prime UTR variant.
Genome position (GRCh38, 1-based): chr4:87,663,600, C>T. VCF-style: chr4-87663600-C-T. GRCh37 (hg19) VCF-style: chr4-88584752-C-T.
Other names: c.*280C>T (NM_001079911.3).
Identifiers: ClinVar variation 349992 (VCV000349992.7), dbSNP rs76370957, ClinGen allele CA10619497.